The following is an entry in ClinVar:

ClinVar aggregate classification (germline): Uncertain significance. Review status: criteria provided, multiple submitters, no conflicts (2 of 4 stars). 2 submissions from 2 submitters: Uncertain significance (2). Last evaluated 2025-11-01.

Conditions:
Carnitine palmitoyltransferase II deficiency. Also called: Carnitine Palmitoyltransferase 2 Deficiency. Identifiers: Orphanet 157, MedGen C0342790, MONDO:0015515.

Submissions (2):

CeGaT Center for Human Genetics Tuebingen
Classification: Uncertain significance. Last evaluated: 2025-11-01. Review status: criteria provided, single submitter. Criteria: CeGaT Center For Human Genetics Tuebingen Variant Classification Criteria Version 2. Collection method: clinical testing. Allele origin: germline. Affected: yes. Observed: 1 variant allele.
Comment: CPT2: PM2, BP4

Labcorp Genetics (formerly Invitae), Labcorp
Classification: Uncertain significance for Carnitine palmitoyltransferase II deficiency. Last evaluated: 2022-08-07. Review status: criteria provided, single submitter. Criteria: Invitae Variant Classification Sherloc (09022015). Collection method: clinical testing. Allele origin: germline.
Comment: This sequence change replaces histidine, which is basic and polar, with leucine, which is neutral and non-polar, at codon 372 of the CPT2 protein (p.His372Leu). Information on the frequency of this variant in the gnomAD database is not available, as this variant may be reported differently in the database. This variant has not been reported in the literature in individuals affected with CPT2-related conditions. ClinVar contains an entry for this variant (Variation ID: 1386943). Algorithms developed to predict the effect of missense changes on protein structure and function are either unavailable or do not agree on the potential impact of this missense change (SIFT: "Not Available"; PolyPhen-2: "Probably Damaging"; Align-GVGD: "Not Available"). In summary, the available evidence is currently insufficient to determine the role of this variant in disease. Therefore, it has been classified as a Variant of Uncertain Significance.

NM_000098.3(CPT2):c.1115_1116delinsTT (p.His372Leu)

Gene: CPT2 (carnitine palmitoyltransferase 2; plus strand). Cytogenetic location: 1p32.3.
Variant type: Indel.
Coding change: c.1115_1116delinsTT on transcript NM_000098.3 (MANE Select); coding-DNA positions 1115 to 1116, AC replaced by TT.
Protein change: p.His372Leu; replaces histidine 372 with leucine.
Molecular consequence: missense variant.
Genome position (GRCh38, 1-based): chr1:53,210,789-53,210,790, AC replaced by TT. VCF-style: chr1-53210789-AC-TT. GRCh37 (hg19) VCF-style: chr1-53676461-AC-TT.
Other names: c.1115_1116delinsTT, p.His372Leu (NM_001330589.2); short protein forms H372L.
Identifiers: ClinVar variation 1386943 (VCV001386943.11), dbSNP rs2100273557, ClinGen allele CA2573131912.